The following is an entry in ClinVar:

NM_015378.4(VPS13D):c.3231G>A (p.Glu1077=)

Gene: VPS13D (vacuolar protein sorting 13 homolog D; plus strand). Cytogenetic location: 1p36.22.
Variant type: single nucleotide variant.
Coding change: c.3231G>A on transcript NM_015378.4 (MANE Select); coding-DNA position 3231, G replaced by A.
Protein change: p.Glu1077=; no amino-acid change (glutamic acid 1077 retained).
Molecular consequence: synonymous variant.
Genome position (GRCh38, 1-based): chr1:12,276,819, G>A. VCF-style: chr1-12276819-G-A. GRCh37 (hg19) VCF-style: chr1-12336876-G-A.
Other names: c.3231G>A, p.Glu1077= (NM_018156.4).
Identifiers: ClinVar variation 2638249 (VCV002638249.24), dbSNP rs2524023293, ClinGen allele CA416365602.
Genomic context (GRCh38, chr1:12,276,819, plus strand): 5'-ACTGAACGACCGATCAGCTACTAGTGTTTCACTTGACAAAATTCTTACCAAAGAGCAAGA[G>A]TCCCTTATTAAGTTGGAATATCAGTTTGTGAGTTCAGAGTGCCCATCGATGAATTTAGAC-3'
Protein context (NP_056193.2, residues 1067-1087): SLDKILTKEQ[Glu1077=]SLIKLEYQFV

ClinVar aggregate classification (germline): Likely benign (1 of 4 stars; one submission).

Submission:

CeGaT Center for Human Genetics Tuebingen
Classification: Likely benign. Last evaluated: 2023-09-01. Review status: criteria provided, single submitter. Criteria: CeGaT Center For Human Genetics Tuebingen Variant Classification Criteria Version 2. Collection method: clinical testing. Allele origin: germline. Affected: yes. Observed: 1 variant allele.
Comment: VPS13D: PM2:Supporting, BP4, BP7